The following is an entry in ClinVar:

NM_001082538.3(TCTN1):c.32_43del (p.Val11_Leu14del)

Gene: TCTN1 (tectonic family member 1; plus strand). Cytogenetic location: 12q24.11.
Variant type: Deletion.
Coding change: c.32_43del on transcript NM_001082538.3 (MANE Select); coding-DNA positions 32 to 43, 12 bases deleted (TGGTGCTCCTGG).
Protein change: p.Val11_Leu14del.
Molecular consequence: inframe deletion. On other transcripts: 5 prime UTR variant (4), non-coding transcript variant (1).
Genome position (GRCh38, 1-based): chr12:110,614,214-110,614,225, TGGTGCTCCTGG deleted; deleting any 12 consecutive bases within chr12:110,614,206-110,614,225 gives the same sequence; the c. name uses the placement nearest the transcript's 3' end. VCF-style (leftmost placement, unchanged base first): chr12-110614205-CGCTCCTGGTGGT-C. GRCh37 (hg19) VCF-style: chr12-111052010-CGCTCCTGGTGGT-C.
Other names: c.32_43del, p.Val11_Leu14del (NM_001082537.3, NM_001319680.2, NM_024549.6); c.-198_-187del (NM_001173975.3, NM_001319682.3); c.-225_-214del (NM_001173976.2); c.-676_-665del (NM_001319681.2); c.32_43del12 (NM_001082538.2).
Identifiers: ClinVar variation 1252089 (VCV001252089.3), dbSNP rs2135826994, ClinGen allele CA481744904.

ClinVar aggregate classification (germline): Uncertain significance. Review status: criteria provided, multiple submitters, no conflicts (2 of 4 stars). 3 submissions from 3 submitters: Uncertain significance (2). 1 of the submissions does not count toward it. Last evaluated 2023-02-21.

Conditions:
Joubert syndrome 13 (JBTS13). Identifiers: Orphanet 475, MedGen C3280031, MONDO:0013608, OMIM 614173.

Submissions (3):

Women's Health and Genetics/Laboratory Corporation of America, LabCorp
Classification: Uncertain significance. Last evaluated: 2023-02-21. Review status: criteria provided, single submitter. Criteria: LabCorp Variant Classification Summary - May 2015. Collection method: clinical testing. Allele origin: germline.
Comment: Variant summary: TCTN1 c.32_43del12 (p.Val11_Leu14del) results in an in-frame deletion that is predicted to remove four amino acids from the encoded protein. The variant was absent in 183748 control chromosomes (gnomAD). c.32_43del12 has been reported in the literature in at least one homozygous individual affected with Meckel-Gruber syndrome (Shaheen_2015). These data indicate that the variant may be associated with disease. To our knowledge, no experimental evidence demonstrating an impact on protein function has been reported. Two ClinVar submitters (evaluation after 2014) cite this variant as uncertain significance and pathogenic. Based on the evidence outlined above, the variant was classified as VUS-possibly pathogenic.

AiLife Diagnostics
Classification: Uncertain significance. Last evaluated: 2022-02-24. Review status: criteria provided, single submitter. Criteria: ACMG Guidelines, 2015. Collection method: clinical testing. Allele origin: germline. Affected: yes. Observed: 1 variant allele.

Genomic Medicine Center of Excellence, King Faisal Specialist Hospital and Research Centre
Classification: Pathogenic for Joubert syndrome 13. Last evaluated: 2021-04-29. Review status: no assertion criteria provided. Collection method: research. Allele origin: germline. Affected: yes. Not counted in ClinVar's aggregate classification.

Literature cited by the submitters: PubMed 27894351 (cited by Women's Health and Genetics/Laboratory Corporation of America, LabCorp); PubMed 34645488 (cited by Women's Health and Genetics/Laboratory Corporation of America, LabCorp); PubMed 26123494 (cited by Women's Health and Genetics/Laboratory Corporation of America, LabCorp and AiLife Diagnostics); PubMed 32949114 (cited by Women's Health and Genetics/Laboratory Corporation of America, LabCorp).